The following is an entry in ClinVar:

NM_006154.4(NEDD4):c.2297A>G (p.Lys766Arg)

Gene: NEDD4 (NEDD4 E3 ubiquitin protein ligase; minus strand). Cytogenetic location: 15q21.3.
Variant type: single nucleotide variant.
Coding change: c.2297A>G on transcript NM_006154.4 (MANE Select); coding-DNA position 2297, A replaced by G.
Protein change: p.Lys766Arg; replaces lysine 766 with arginine.
Molecular consequence: missense variant.
Genome position (GRCh38, 1-based): chr15:55,834,252, T>C on the plus strand (A>G on the coding strand, the complement: NEDD4 is on the minus strand). VCF-style: chr15-55834252-T-C. GRCh37 (hg19) VCF-style: chr15-56126450-T-C.
Other names: c.3554A>G, p.Lys1185Arg (NM_001284338.2); c.3506A>G, p.Lys1169Arg (NM_001284339.1); c.3503A>G, p.Lys1168Arg (NM_001284340.1); c.1856A>G, p.Lys619Arg (NM_001329212.2); c.3338A>G, p.Lys1113Arg (NM_198400.3); short protein forms K1113R, K1169R, K1185R, K766R, K619R, K1168R.
Identifiers: ClinVar variation 771911 (VCV000771911.29), dbSNP rs140499972, ClinGen allele CA7576707.

ClinVar aggregate classification (germline): Likely benign. Review status: criteria provided, multiple submitters, no conflicts (2 of 4 stars). 3 submissions from 3 submitters: Likely benign (3). Last evaluated 2023-03-01.

Allele frequency attached by ClinVar (database versions not stated): 1000 Genomes Project 30x 0.00141; 1000 Genomes Project 0.00160; TOPMed 0.00407; gnomAD 0.00422 and 0.00435; gnomAD exomes 0.00444 and 0.00669; ExAC 0.00451; ESP Exome Variant Server 0.00609.
gnomAD v4.1: 10,294 of 1,609,900 alleles (0.64%); highest among the groups gnomAD compares: Non-Finnish European, 0.77%; 43 homozygotes.

Submissions (3):

CeGaT Center for Human Genetics Tuebingen
Classification: Likely benign. Last evaluated: 2023-03-01. Review status: criteria provided, single submitter. Criteria: CeGaT Center For Human Genetics Tuebingen Variant Classification Criteria Version 2. Collection method: clinical testing. Allele origin: germline. Affected: yes. Observed: 1 variant allele.
Comment: NEDD4: BS2

Labcorp Genetics (formerly Invitae), Labcorp
Classification: Likely benign. Last evaluated: 2019-12-31. Review status: criteria provided, single submitter. Criteria: Invitae Variant Classification Sherloc (09022015). Collection method: clinical testing. Allele origin: germline.

Breakthrough Genomics
Classification: Likely benign. Review status: criteria provided, single submitter. Criteria: ACMG Guidelines, 2015. Collection method: not provided. Allele origin: germline. Inheritance: Unknown mechanism. Affected: yes.